The following is an entry in ClinVar:

ClinVar aggregate classification (germline): Likely benign. Review status: criteria provided, multiple submitters, no conflicts (2 of 4 stars). 5 submissions from 5 submitters: Likely benign (3). 2 of the submissions do not count toward it. Last evaluated 2026-03-01.

Conditions:
ISCU-related disorder. Also called: ISCU-related condition.

Allele frequency attached by ClinVar (database versions not stated): ExAC 0.00020; gnomAD exomes 0.00027 and 0.00067; gnomAD 0.00039; TOPMed 0.00042; ESP Exome Variant Server 0.00046.

Submissions (5):

CeGaT Center for Human Genetics Tuebingen
Classification: Likely benign. Last evaluated: 2026-03-01. Review status: criteria provided, single submitter. Criteria: CeGaT Center For Human Genetics Tuebingen Variant Classification Criteria Version 2. Collection method: clinical testing. Allele origin: germline. Affected: yes. Observed: 4 variant alleles.
Comment: ISCU: BP4, BP7

Labcorp Genetics (formerly Invitae), Labcorp
Classification: Likely benign. Last evaluated: 2026-01-27. Review status: criteria provided, single submitter. Criteria: Invitae Variant Classification Sherloc (09022015). Collection method: clinical testing. Allele origin: germline.

GeneDx
Classification: Likely benign. Last evaluated: 2020-12-22. Review status: criteria provided, single submitter. Criteria: GeneDx Variant Classification Process June 2021. Collection method: clinical testing. Allele origin: germline. Affected: yes.

PreventionGenetics, part of Exact Sciences
Classification: Likely benign for ISCU-related condition. Last evaluated: 2021-04-27. Review status: no assertion criteria provided. Collection method: clinical testing. Allele origin: germline. Not counted in ClinVar's aggregate classification.
Comment: This variant is classified as likely benign based on ACMG/AMP sequence variant interpretation guidelines (Richards et al. 2015 PMID: 25741868, with internal and published modifications).

Mayo Clinic Laboratories, Mayo Clinic
Classification: Likely benign. Last evaluated: 2016-03-15. Review status: no assertion criteria provided. Collection method: clinical testing. Allele origin: unknown. Not counted in ClinVar's aggregate classification.

NM_213595.4(ISCU):c.448C>T (p.Leu150=)

Gene: ISCU (iron-sulfur cluster assembly enzyme; plus strand). Cytogenetic location: 12q23.3.
Variant type: single nucleotide variant.
Coding change: c.448C>T on transcript NM_213595.4 (MANE Select); coding-DNA position 448, C replaced by T.
Protein change: p.Leu150=; no amino-acid change (leucine 150 retained).
Molecular consequence: synonymous variant. On other transcripts: 3 prime UTR variant (3), non-coding transcript variant (1).
Genome position (GRCh38, 1-based): chr12:108,568,860, C>T. VCF-style: chr12-108568860-C-T. GRCh37 (hg19) VCF-style: chr12-108962636-C-T.
Other names: c.*69C>T (NM_001301140.1); c.*74C>T (NM_001301141.1); c.*1156C>T (NM_001320042.1); c.373C>T, p.Leu125= (NM_014301.4).
Identifiers: ClinVar variation 559224 (VCV000559224.40), dbSNP rs11548226, ClinGen allele CA6768890.